The following is an entry in ClinVar:

ClinVar aggregate classification (germline): Uncertain significance (1 of 4 stars; one submission).

Allele frequency attached by ClinVar (database versions not stated): gnomAD exomes below 0.00001.
gnomAD v4.1: 1 of 1,614,186 alleles (0.000062%); highest among the groups gnomAD compares: Admixed American, 0.0017%; no homozygotes.

Submission:

GeneDx
Classification: Uncertain significance. Last evaluated: 2026-07-13. Review status: criteria provided, single submitter. Criteria: GeneDx Variant Classification Process June 2021. Collection method: clinical testing. Allele origin: germline.
Comment: Not observed at significant frequency in large population cohorts (gnomAD); In silico analysis suggests that this missense variant does not alter protein structure/function; Has not been previously published as pathogenic or benign to our knowledge

NM_001378418.1(TCF20):c.64C>T (p.His22Tyr)

Gene: TCF20 (transcription factor 20; minus strand). Cytogenetic location: 22q13.2.
Variant type: single nucleotide variant.
Coding change: c.64C>T on transcript NM_001378418.1 (MANE Select); coding-DNA position 64, C replaced by T.
Protein change: p.His22Tyr; replaces histidine 22 with tyrosine.
Molecular consequence: missense variant.
Genome position (GRCh38, 1-based): chr22:42,215,242, G>A on the plus strand (C>T on the coding strand, the complement: TCF20 is on the minus strand). VCF-style: chr22-42215242-G-A. GRCh37 (hg19) VCF-style: chr22-42611248-G-A.
Other names: c.64C>T, p.His22Tyr (NM_005650.4, NM_181492.3); short protein forms H22Y.
Identifiers: ClinVar variation 2662257 (VCV002662257.2), dbSNP rs1465688329, ClinGen allele CA411793794.